The following is an entry in ClinVar:

NM_019616.4(F7):c.413A>G (p.Gln138Arg)

Gene: F7 (coagulation factor VII; plus strand). Cytogenetic location: 13q34.
Variant type: single nucleotide variant.
Coding change: c.413A>G on transcript NM_019616.4 (MANE Select); coding-DNA position 413, A replaced by G.
Protein change: p.Gln138Arg; replaces glutamine 138 with arginine.
Molecular consequence: missense variant. On other transcripts: non-coding transcript variant (1).
Genome position (GRCh38, 1-based): chr13:113,115,708, A>G. VCF-style: chr13-113115708-A-G. GRCh37 (hg19) VCF-style: chr13-113770022-A-G.
Other names: p.Gln160Arg; c.479A>G, p.Gln160Arg (NM_000131.5); c.227A>G, p.Gln76Arg (NM_001267554.2); short protein forms Q138R, Q160R, Q76R.
Identifiers: ClinVar variation 627178 (VCV000627178.17), dbSNP rs200016360, ClinGen allele CA7059961.

ClinVar aggregate classification (germline): Pathogenic/Likely pathogenic. Review status: criteria provided, multiple submitters, no conflicts (2 of 4 stars). 9 submissions from 9 submitters: Pathogenic (5); Likely pathogenic (4). Last evaluated 2026-04-20.

Conditions:
Congenital factor VII deficiency. Identifiers: Orphanet 327, MedGen C0272320, MONDO:0009211, OMIM 227500.
Myocardial infarction, susceptibility to. Identifiers: MedGen C1832662, MONDO:0012039, OMIM 608446.
F7-related disorder. Also called: F7-related condition.
F7-related disorders.
Factor VII deficiency. Also called: F7 DEFICIENCY; HYPOPROCONVERTINEMIA; Factor 7 deficiency. Identifiers: MedGen C0015503, MeSH D005168, MONDO:0002244.

Allele frequency attached by ClinVar (database versions not stated): gnomAD 0.00007 and 0.00008; ESP Exome Variant Server 0.00008; gnomAD exomes 0.00008 and 0.00010; TOPMed 0.00009; ExAC 0.00014.
gnomAD v4.1: 129 of 1,612,954 alleles (0.008%); highest among the groups gnomAD compares: Admixed American, 0.012%; no homozygotes.

Submissions (9):

GeneDx
Classification: Likely pathogenic. Last evaluated: 2026-04-20. Review status: criteria provided, single submitter. Criteria: GeneDx Variant Classification Process June 2021. Collection method: clinical testing. Allele origin: germline.
Comment: Published functional studies demonstrate a damaging effect on protein function (PMID: 29618153); In silico analysis supports that this missense variant has a deleterious effect on protein structure/function; This variant is associated with the following publications: (PMID: 34355501, 18976247, 18282149, 15142120, 33406812, 31467667, 25952977, 31064749, 8242057, 37647632, 12935978, 33477601, 38202056, 35552711, 9657438, 37521340, 39076726, 38397060, 9949166, 40274887, 29618153)

PreventionGenetics, part of Exact Sciences
Classification: Pathogenic for F7-related condition. Last evaluated: 2026-03-20. Review status: criteria provided, single submitter. Criteria: ACMG Guidelines, 2015. Collection method: clinical testing. Allele origin: germline.
Comment: The F7 c.479A>G variant is predicted to result in the amino acid substitution p.Gln160Arg. This variant, referred to as p.Gln100Arg using legacy nomenclature, has been reported to be causative for factor VII deficiency (see for examples Takamiya et al. 1993. PubMed ID: 8242057; McVey et al. 2001. PubMed ID: 11139238; Andersen et al. 2018. PubMed ID: 29618153). This variant is reported in 0.020% of alleles in individuals of Latino descent in gnomAD. This variant has been classified as pathogenic or likely pathogenic by multiple independent submitters to the ClinVar database (ClinVar ID: 627178). Given the evidence, this variant is interpreted as pathogenic.

Mayo Clinic Laboratories, Mayo Clinic
Classification: Pathogenic. Last evaluated: 2025-04-08. Review status: criteria provided, single submitter. Criteria: ACMG Guidelines, 2015. Collection method: clinical testing. Allele origin: germline. Observed: 10 variant alleles.
Comment: PP3_moderate, PP5, PM1, PM2_supporting, PM3_strong, PS3, PS4_very_strong

Blueprint Genetics
Classification: Pathogenic for F7-related disorders. Last evaluated: 2024-10-22. Review status: criteria provided, single submitter. Criteria: ACMG Guidelines, 2015. Collection method: clinical testing. Allele origin: germline. Affected: yes. Observed: 5 variant alleles.

Pittsburgh Clinical Genomics Laboratory, University of Pittsburgh Medical Center
Classification: Likely pathogenic for Congenital factor VII deficiency. Last evaluated: 2023-11-10. Review status: criteria provided, single submitter. Criteria: ACMG Guidelines, 2015. Collection method: clinical testing. Allele origin: germline. Inheritance: Autosomal recessive inheritance. Affected: yes.
Comment: This sequence variant is a single nucleotide substitution (A>G) at position 479 of the coding sequence of the F7 gene that results in a glutamine to arginine amino acid change at residue 160 of the coagulation factor VII protein. This variant may be referred to as F7 p.Gln100Arg in the literature. The 160 residue falls in the EGF-like 2 domain (Uniprot). This is a previously reported variant (ClinVar 627178) and is one of the most common variants associated with factor VII deficiency (PMID: 32333443). This variant has been observed in individuals with reduced factor VII enzyme activity when in the homozygous and compound heterozygous state (PMID: 8242057, 12935978, 15142120, 18282149, 18976247, 25952977). In addition, this variant has been observed in affected heterozygous individuals in which a second F7 variant was not observed (PMID: 31064749). This variant is present in 129 of 1,612,954 alleles (0.008%) in the gnomAD v4 population dataset. Multiple bioinformatic tools predict that this Gln to Arg amino acid change would be damaging, and the Gln160 residue at this position is highly conserved across the vertebrate species examined. Functional studies have demonstrated that this variant has an increased intracellular retention relative to the wildtype protein (PMID: 29618153, 31467667). Based upon the evidence, we consider this variant to be likely pathogenic. ACMG Criteria: PM2, PP3, PS4

Fulgent Genetics
Classification: Likely pathogenic for Congenital factor VII deficiency; Myocardial infarction, susceptibility to. Last evaluated: 2022-05-11. Review status: criteria provided, single submitter. Criteria: ACMG Guidelines, 2015. Collection method: clinical testing. Allele origin: unknown.

NIHR Bioresource Rare Diseases, University of Cambridge
Classification: Pathogenic for Congenital factor VII deficiency. Last evaluated: 2019-02-01. Review status: criteria provided, single submitter. Criteria: ACMG Guidelines, 2015. Collection method: research. Allele origin: unknown. Affected: yes. Observed: 2 heterozygotes. Study: ThromboGenomics.

Illumina Laboratory Services, Illumina
Classification: Pathogenic for Congenital factor VII deficiency. Last evaluated: 2017-10-20. Review status: criteria provided, single submitter. Criteria: ICSL Variant Classification Criteria 09 May 2019. Collection method: clinical testing. Allele origin: germline.
Comment: The F7 c.479A>G (p.Gln160Arg) missense variant, also described in the literature as p.Gln100Arg, has been reported in both symptomatic and asymptomatic individuals for factor VII deficiency. Across a selection of the literature, the p.Gln160Arg variant has been identified in at least six symptomatic individuals with reduced FVII enzyme activity and plasma antigen levels including three homozygotes and at least three compound heterozygotes as well as in a heterozygous state in seven symptomatic and 17 asymptomatic individuals (including five from one family) (Takamiya et al. 1993; Sabater-Lleal et al. 2003; Mathijssen et al. 2004; Marty et al. 2008; Herrmann et al. 2009; Siboni et al. 2015). The p.Gln160Arg variant was absent from 200 control individuals but is reported at a frequency of 0.000622 in the Latino population of the Exome Aggregation Consortium. The variant is noted to be located in a well-conserved residue in the EGF-2 protein domain, which is conserved across the vitamin K-dependent serine protease family.Based on the evidence, the p.Gln160Arg variant is interpreted to be pathogenic for factor VII deficiency. This variant was observed by ICSL as part of a predisposition screen in an ostensibly healthy population.

ISTH-SSC Genomics in Thrombosis and Hemostasis, KU Leuven, Center for Molecular and Vascular Biology
Classification: Likely pathogenic for Congenital factor VII deficiency. Review status: criteria provided, single submitter. Criteria: ACMG Guidelines, 2015. Collection method: clinical testing. Allele origin: unknown. Affected: yes. Observed: 2 heterozygotes.
Comment: GoldVariant submitter: Dr Karyn Mégy NIHR Bioresource - Cambridge University, UK

Literature cited by the submitters: PubMed 12935978 (cited by 3 submitters); PubMed 25952977 (cited by 3 submitters); PubMed 29618153 (cited by Mayo Clinic Laboratories, Mayo Clinic and Pittsburgh Clinical Genomics Laboratory, University of Pittsburgh Medical Center); PubMed 32333443 (cited by Mayo Clinic Laboratories, Mayo Clinic and Pittsburgh Clinical Genomics Laboratory, University of Pittsburgh Medical Center); PubMed 35552711 (cited by Mayo Clinic Laboratories, Mayo Clinic); PubMed 37521340 (cited by Mayo Clinic Laboratories, Mayo Clinic); PubMed 38202056 (cited by Mayo Clinic Laboratories, Mayo Clinic); PubMed 38397060 (cited by Mayo Clinic Laboratories, Mayo Clinic); PubMed 39076726 (cited by Mayo Clinic Laboratories, Mayo Clinic); PubMed 8242057 (cited by 3 submitters); PubMed 9657438 (cited by Mayo Clinic Laboratories, Mayo Clinic); PubMed 9949166 (cited by Mayo Clinic Laboratories, Mayo Clinic); PubMed 31064749 (cited by Pittsburgh Clinical Genomics Laboratory, University of Pittsburgh Medical Center and NIHR Bioresource Rare Diseases, University of Cambridge); PubMed 31467667 (cited by Pittsburgh Clinical Genomics Laboratory, University of Pittsburgh Medical Center); PubMed 18976247 (cited by Pittsburgh Clinical Genomics Laboratory, University of Pittsburgh Medical Center and Illumina Laboratory Services, Illumina); PubMed 15142120 (cited by Pittsburgh Clinical Genomics Laboratory, University of Pittsburgh Medical Center and Illumina Laboratory Services, Illumina); PubMed 18282149 (cited by Pittsburgh Clinical Genomics Laboratory, University of Pittsburgh Medical Center and Illumina Laboratory Services, Illumina); PubMed 34355501 (cited by ISTH-SSC Genomics in Thrombosis and Hemostasis, KU Leuven, Center for Molecular and Vascular Biology).